The following is an entry in ClinVar:

NM_006393.3(NEBL):c.709A>G (p.Asn237Asp)

Gene: NEBL (nebulette; minus strand). Cytogenetic location: 10p12.31.
Variant type: single nucleotide variant.
Coding change: c.709A>G on transcript NM_006393.3 (MANE Select); coding-DNA position 709, A replaced by G.
Protein change: p.Asn237Asp; replaces asparagine 237 with aspartic acid.
Molecular consequence: missense variant. On other transcripts: intron variant (9).
Genome position (GRCh38, 1-based): chr10:20,859,802, T>C on the plus strand (A>G on the coding strand, the complement: NEBL is on the minus strand). VCF-style: chr10-20859802-T-C. GRCh37 (hg19) VCF-style: chr10-21148731-T-C.
Other names: c.250-46862A>G (NM_001377326.1, NM_001377327.1, NM_001377328.1); c.358-46862A>G (NM_213569.2, NM_001173484.2, NM_001377322.1); c.301-46862A>G (NM_001377324.1); c.292-46862A>G (NM_001377325.1); c.310-46862A>G (NM_001377323.1); short protein forms N237D.
Identifiers: ClinVar variation 655536 (VCV000655536.9), dbSNP rs1588846853, ClinGen allele CA376102461.
Genomic context (GRCh38, chr10:20,859,802, plus strand): 5'-TCTGCCTAAAAGAAGCACTTTCAAGAGGATTGTAATGATGTTTCTTATCCTTCATTTCAT[T>C]ATCAAATTTTTCTTTGTATTTAATCTGTCATAAAAGAGAAATAGTACATGTAACTTTACA-3'
Protein context (NP_006384.1, residues 227-247): SQIKYKEKFD[Asn237Asp]EMKDKKHHYN

ClinVar aggregate classification (germline): Uncertain significance (1 of 4 stars; one submission).

Conditions:
Primary dilated cardiomyopathy (DCM). Also called: Dilated Cardiomyopathy. Identifiers: Orphanet 217604, MedGen C0007193, MeSH D002311, MONDO:0005021, HP:0001644. Inheritance: Various modes of inheritance.

Submission:

Labcorp Genetics (formerly Invitae), Labcorp
Classification: Uncertain significance for Primary dilated cardiomyopathy. Last evaluated: 2018-09-17. Review status: criteria provided, single submitter. Criteria: Invitae Variant Classification Sherloc (09022015). Collection method: clinical testing. Allele origin: germline.
Comment: Algorithms developed to predict the effect of missense changes on protein structure and function (SIFT, PolyPhen-2, Align-GVGD) all suggest that this variant is likely to be tolerated, but these predictions have not been confirmed by published functional studies and their clinical significance is uncertain. This sequence change replaces asparagine with aspartic acid at codon 237 of the NEBL protein (p.Asn237Asp). The asparagine residue is weakly conserved and there is a small physicochemical difference between asparagine and aspartic acid. This variant is not present in population databases (ExAC no frequency). This variant has not been reported in the literature in individuals with NEBL-related disease. In summary, the available evidence is currently insufficient to determine the role of this variant in disease. Therefore, it has been classified as a Variant of Uncertain Significance.